The following is an entry in ClinVar:

ClinVar aggregate classification (germline): Likely benign. Review status: criteria provided, multiple submitters, no conflicts (2 of 4 stars). 3 submissions from 3 submitters: Likely benign (3). Last evaluated 2024-12-08.

Conditions:
Multiple congenital anomalies-hypotonia-seizures syndrome 3 (MCAHS3). Also called: GLYCOSYLPHOSPHATIDYLINOSITOL BIOSYNTHESIS DEFECT 7. Identifiers: Orphanet 369837, MedGen C3809356, MONDO:0014165, OMIM 615398.

Allele frequency attached by ClinVar (database versions not stated): gnomAD exomes 0.00002 and 0.00008; ExAC 0.00009; 1000 Genomes Project 30x 0.00016; 1000 Genomes Project 0.00020; gnomAD 0.00040 and 0.00043; TOPMed 0.00041; ESP Exome Variant Server 0.00046.
gnomAD v4.1: 90 of 1,612,666 alleles (0.0056%); highest among the groups gnomAD compares: African/African-American, 0.11%; no homozygotes.

Submissions (3):

Labcorp Genetics (formerly Invitae), Labcorp
Classification: Likely benign for Multiple congenital anomalies-hypotonia-seizures syndrome 3. Last evaluated: 2024-12-08. Review status: criteria provided, single submitter. Criteria: Invitae Variant Classification Sherloc (09022015). Collection method: clinical testing. Allele origin: germline.

Blueprint Genetics
Classification: Likely benign. Last evaluated: 2024-02-20. Review status: criteria provided, single submitter. Criteria: ACMG Guidelines, 2015. Collection method: clinical testing. Allele origin: germline.

CeGaT Center for Human Genetics Tuebingen
Classification: Likely benign. Last evaluated: 2023-12-01. Review status: criteria provided, single submitter. Criteria: CeGaT Center For Human Genetics Tuebingen Variant Classification Criteria Version 2. Collection method: clinical testing. Allele origin: germline. Affected: yes. Observed: 1 variant allele.
Comment: PIGT: BP4, BP7

NM_015937.6(PIGT):c.1038C>A (p.Ala346=)

Gene: PIGT (phosphatidylinositol glycan anchor biosynthesis class T; plus strand). Cytogenetic location: 20q13.12.
Variant type: single nucleotide variant.
Coding change: c.1038C>A on transcript NM_015937.6 (MANE Select); coding-DNA position 1038, C replaced by A.
Protein change: p.Ala346=; no amino-acid change (alanine 346 retained).
Molecular consequence: synonymous variant. On other transcripts: non-coding transcript variant (5), intron variant (1).
Genome position (GRCh38, 1-based): chr20:45,421,387, C>A. VCF-style: chr20-45421387-C-A. GRCh37 (hg19) VCF-style: chr20-44050027-C-A.
Other names: c.870C>A, p.Ala290= (NM_001184728.3); c.732C>A, p.Ala244= (NM_001184730.3); c.1033+694C>A (NM_001184729.3).
Identifiers: ClinVar variation 726398 (VCV000726398.30), dbSNP rs141166012, ClinGen allele CA9878151.
Genomic context (GRCh38, chr20:45,421,387, plus strand): 5'-GTGGGGAGTGATTCTTACCTTTGGCAGCTGTTAACTGTTGATATTTCTTTACACAGAGGC[C>A]CCCCCAGTGCCCTTCCTGCATGCCCAGCGGTACGTGAGTGGCTATGGGCTGCAGAAGGGG-3'
Protein context (NP_057021.2, residues 336-356): LKWKRPPENE[Ala346=]PPVPFLHAQR